The following is an entry in ClinVar:

ClinVar aggregate classification (germline): Pathogenic/Likely pathogenic. Review status: criteria provided, multiple submitters, no conflicts (2 of 4 stars). 7 submissions from 7 submitters: Pathogenic (1); Likely pathogenic (5). 1 of the submissions does not count toward it. Last evaluated 2024-05-30.

Conditions:
MMACHC-related disorder. Also called: MMACHC-related condition.
Cobalamin C disease. Also called: Methylmalonic aciduria and homocystinuria, Vitamin B12-responsive; Vitamin B12 metabolic defect with combined deficiency of methylmalonyl-CoA mutase and homocysteine:methyltetrahydrofolate methyltransferase; methylmalonic aciduria and homocystinuria type cblC; Methylmalonic aciduria with homocystinuria cblC type; Cobalamin-C methylmalonic acidemia and homocystinuria; Methylmalonic acidemia and homocystinuria cblC type. Identifiers: Orphanet 26, Orphanet 79282, MedGen C1848561, MONDO:0010184, OMIM 277400.

Allele frequency attached by ClinVar (database versions not stated): gnomAD exomes below 0.00001 and 0.00001; TOPMed below 0.00001.
gnomAD v4.1: 21 of 1,614,088 alleles (0.0013%); highest among the groups gnomAD compares: Non-Finnish European, 0.0016%; no homozygotes.

Submissions (7):

Natera, Inc.
Classification: Likely pathogenic for Methylmalonic aciduria and homocystinuria cblC type. Last evaluated: 2024-05-30. Review status: criteria provided, single submitter. Criteria: Natera Variant Classification Schema (03/2026). Collection method: clinical testing. Allele origin: germline.
Comment: The c.82-1G>A variant in MMACHC is a canonical splice acceptor site variant predicted to affect pre-mRNA splicing, which may result in an abnormal transcript and altered protein product. This variant is expected to result in nonsense mediated decay, truncation, or a dysfunctional protein product. This variant is rare in the general population with a frequency below the threshold expected for the associated phenotype(s). This variant has been observed in one or more individuals affected with the associated recessive disease, as either homozygous or compound heterozygous with a second variant (PMID: 30209273). Given the available evidence, this variant is classified as Likely Pathogenic.

Fulgent Genetics
Classification: Likely pathogenic for Cobalamin C disease. Last evaluated: 2023-12-29. Review status: criteria provided, single submitter. Criteria: ACMG Guidelines, 2015. Collection method: clinical testing. Allele origin: germline.

Labcorp Genetics (formerly Invitae), Labcorp
Classification: Pathogenic for Cobalamin C disease. Last evaluated: 2023-09-19. Review status: criteria provided, single submitter. Criteria: Invitae Variant Classification Sherloc (09022015). Collection method: clinical testing. Allele origin: germline.
Comment: This sequence change affects an acceptor splice site in intron 1 of the MMACHC gene. It is expected to disrupt RNA splicing. Variants that disrupt the donor or acceptor splice site typically lead to a loss of protein function (PMID: 16199547), and loss-of-function variants in MMACHC are known to be pathogenic (PMID: 16311595). This variant is present in population databases (no rsID available, gnomAD no frequency). Disruption of this splice site has been observed in individuals with MMACHC-related conditions (PMID: 19370762, 25398587). ClinVar contains an entry for this variant (Variation ID: 556698). Algorithms developed to predict the effect of sequence changes on RNA splicing suggest that this variant may disrupt the consensus splice site. For these reasons, this variant has been classified as Pathogenic.

Genome-Nilou Lab
Classification: Likely pathogenic for Cobalamin C disease. Last evaluated: 2023-04-11. Review status: criteria provided, single submitter. Criteria: ACMG Guidelines, 2015. Collection method: clinical testing. Allele origin: germline. Affected: no.

Women's Health and Genetics/Laboratory Corporation of America, LabCorp
Classification: Likely pathogenic for Cobalamin C disease. Last evaluated: 2023-01-03. Review status: criteria provided, single submitter. Criteria: LabCorp Variant Classification Summary - May 2015. Collection method: clinical testing. Allele origin: germline.
Comment: Variant summary: MMACHC c.82-1G>A is located in a canonical splice-site and is predicted to affect mRNA splicing resulting in a significantly altered protein due to either exon skipping, shortening, or inclusion of intronic material. Several computational tools predict a significant impact on normal splicing: Four predict the variant abolishes the canonical 3' acceptor site. Two predict the variant creates a 3' acceptor site. However, these predictions have yet to be confirmed by functional studies. The variant allele was found at a frequency of 4e-06 in 249094 control chromosomes (gnomAD). c.82-1G>A has been reported in the literature in homozygote and compound heterozygote individuals affected with Cobalamin C Disease (Methylmalonic Aciduria with Homocystinuria) (examples: Huemer_2014, Lerner-Ellis_2009). These data indicate that the variant may be associated with disease. To our knowledge, no experimental evidence demonstrating an impact on protein function has been reported. Two clinical diagnostic laboratories have submitted clinical-significance assessments for this variant to ClinVar after 2014 and all classified the variant as pathogenic/likely pathogenic. Based on the evidence outlined above, the variant was classified as likely pathogenic.

Blueprint Genetics
Classification: Likely pathogenic for MMACHC-related disorders. Last evaluated: 2019-02-13. Review status: criteria provided, single submitter. Criteria: ACMG Guidelines, 2015. Collection method: clinical testing. Allele origin: germline. Affected: yes. Observed: 2 variant alleles.

Counsyl
Classification: Likely pathogenic for Cobalamin C disease. Last evaluated: 2018-02-13. Review status: no assertion criteria provided. Collection method: clinical testing. Allele origin: unknown. Not counted in ClinVar's aggregate classification.

Literature cited by the submitters: PubMed 30209273 (cited by Natera, Inc.); PubMed 16199547 (cited by Labcorp Genetics (formerly Invitae), Labcorp); PubMed 16311595 (cited by Labcorp Genetics (formerly Invitae), Labcorp); PubMed 19370762 (cited by 3 submitters); PubMed 25398587 (cited by 3 submitters).

NM_015506.3(MMACHC):c.82-1G>A

Gene: MMACHC (metabolism of cobalamin associated C; plus strand). Cytogenetic location: 1p34.1.
Variant type: single nucleotide variant.
Coding change: c.82-1G>A on transcript NM_015506.3 (MANE Select); the canonical splice acceptor site of the intron before coding-DNA position 82, G replaced by A.
Molecular consequence: splice acceptor variant. On other transcripts: 5 prime UTR variant (1).
Genome position (GRCh38, 1-based): chr1:45,507,355, G>A. VCF-style: chr1-45507355-G-A. GRCh37 (hg19) VCF-style: chr1-45973027-G-A.
Other names: c.-91G>A (NM_001330540.2).
Identifiers: ClinVar variation 556698 (VCV000556698.25), dbSNP rs1255179780, ClinGen allele CA340131348.